The following is an entry in ClinVar:

ClinVar aggregate classification (germline): Benign/Likely benign. Review status: criteria provided, multiple submitters, no conflicts (2 of 4 stars). 2 submissions from 2 submitters: Benign (1); Likely benign (1). Last evaluated 2018-01-12.

Conditions:
Qualitative or quantitative defects of delta-sarcoglycan. Identifiers: Orphanet 207070, MedGen C5680806, MONDO:0016144.

Allele frequency attached by ClinVar (database versions not stated): gnomAD exomes 0.02778; gnomAD 0.06601 and 0.06785; TOPMed 0.07333; 1000 Genomes Project 0.07748; 1000 Genomes Project 30x 0.07917.
gnomAD v4.1: 10,030 of 152,362 alleles (6.6%); highest among the groups gnomAD compares: African/African-American, 13%; 470 homozygotes.

Submissions (2):

Illumina Laboratory Services, Illumina
Classification: Benign for Qualitative or quantitative defects of delta-sarcoglycan. Last evaluated: 2018-01-12. Review status: criteria provided, single submitter. Criteria: ICSL Variant Classification Criteria 13 December 2019. Collection method: clinical testing. Allele origin: germline.
Comment: This variant was observed in the ICSL laboratory as part of a predisposition screen in an ostensibly healthy population. It had not been previously curated by ICSL or reported in the Human Gene Mutation Database (HGMD: prior to June 1st, 2018), and was therefore a candidate for classification through an automated scoring system. Utilizing variant allele frequency, disease prevalence and penetrance estimates, and inheritance mode, an automated score was calculated to assess if this variant is too frequent to cause the disease. Based on the score and internal cut-off values, a variant classified as benign is not then subjected to further curation. The score for this variant resulted in a classification of benign for this disease.

Breakthrough Genomics
Classification: Likely benign. Review status: criteria provided, single submitter. Criteria: ACMG Guidelines, 2015. Collection method: not provided. Allele origin: germline. Inheritance: Autosomal recessive inheritance. Affected: yes.

NM_000337.6(SGCD):c.*3413G>C

Gene: SGCD (sarcoglycan delta; plus strand). Cytogenetic location: 5q33.3.
Variant type: single nucleotide variant.
Coding change: c.*3413G>C on transcript NM_000337.6 (MANE Select); 3413 bases downstream of the stop codon, G replaced by C.
Molecular consequence: 3 prime UTR variant.
Genome position (GRCh38, 1-based): chr5:156,762,803, G>C. VCF-style: chr5-156762803-G-C. GRCh37 (hg19) VCF-style: chr5-156189814-G-C.
Other names: c.*3413G>C (NM_001128209.2).
Identifiers: ClinVar variation 352369 (VCV000352369.7), dbSNP rs72803043, ClinGen allele CA10623857.